The following is an entry in ClinVar:

ClinVar aggregate classification (germline): Uncertain significance. Review status: criteria provided, multiple submitters, no conflicts (2 of 4 stars). 2 submissions from 2 submitters: Uncertain significance (2). Last evaluated 2024-03-11.

Conditions:
Cardiovascular phenotype. Identifiers: MedGen CN230736.

Allele frequency attached by ClinVar (database versions not stated): gnomAD exomes 0.00001; TOPMed 0.00019; 1000 Genomes Project 0.00020; 1000 Genomes Project 30x 0.00031.
gnomAD v4.1: 13 of 1,613,510 alleles (0.00081%); highest among the groups gnomAD compares: Admixed American, 0.015%; no homozygotes.

Submissions (2):

GeneDx
Classification: Uncertain significance. Last evaluated: 2024-03-11. Review status: criteria provided, single submitter. Criteria: GeneDx Variant Classification Process June 2021. Collection method: clinical testing. Allele origin: germline. Affected: yes.
Comment: Not observed at significant frequency in large population cohorts (gnomAD); In silico analysis supports that this missense variant has a deleterious effect on protein structure/function; Has not been previously published as pathogenic or benign to our knowledge

Ambry Genetics
Classification: Uncertain significance for Cardiovascular phenotype. Last evaluated: 2024-01-16. Review status: criteria provided, single submitter. Criteria: Ambry Variant Classification Scheme 2023. Collection method: clinical testing. Allele origin: germline.

NM_001365276.2(TNXB):c.9172C>A (p.Pro3058Thr)

Gene: TNXB (tenascin XB; minus strand). Cytogenetic location: 6p21.33.
Variant type: single nucleotide variant.
Coding change: c.9172C>A on transcript NM_001365276.2 (MANE Select); coding-DNA position 9172, C replaced by A.
Protein change: p.Pro3058Thr; replaces proline 3058 with threonine.
Molecular consequence: missense variant.
Genome position (GRCh38, 1-based): chr6:32,050,265, G>T on the plus strand (C>A on the coding strand, the complement: TNXB is on the minus strand). VCF-style: chr6-32050265-G-T. GRCh37 (hg19) VCF-style: chr6-32018042-G-T.
Other names: c.9166C>A, p.Pro3056Thr (NM_019105.8); short protein forms P3056T, P3058T.
Identifiers: ClinVar variation 2343608 (VCV002343608.3), dbSNP rs572382833, ClinGen allele CA3733607.
Genomic context (GRCh38, chr6:32,050,265, plus strand): 5'-GGCTGAGGGAGTCGGGGGTGGCATCTGTCACGGTCAGCTCCCCCAGGCGAGGCTTGATGG[G>T]GGGCTCAGGGGTCATGGTAGGCACTGCTTGGGTGGTCTCGGCTTCATCCTTTGGAGCTGG-3'
Protein context (NP_001352205.1, residues 3048-3068): QAVPTMTPEP[Pro3058Thr]IKPRLGELTV